The following is an entry in ClinVar:

ClinVar aggregate classification (germline): Benign/Likely benign. Review status: criteria provided, multiple submitters, no conflicts (2 of 4 stars). 3 submissions from 3 submitters: Benign (1); Likely benign (1). 1 of the submissions does not count toward it. Last evaluated 2021-07-30.

Conditions:
Diaphyseal medullary stenosis-bone malignancy syndrome. Also called: MYOPATHY, LIMB-GIRDLE, WITH BONE FRAGILITY; BONE DYSPLASIA WITH MALIGNANT FIBROUS HISTIOCYTOMA; BONE DYSPLASIA WITH MEDULLARY FIBROSARCOMA. Identifiers: Orphanet 85182, MedGen C1862177, MONDO:0007205, OMIM 112250.
MTAP-related disorder. Also called: MTAP-related condition.

Allele frequency attached by ClinVar (database versions not stated): gnomAD exomes 0.00007 and 0.00014; gnomAD 0.00008 and 0.00009; TOPMed 0.00010; ExAC 0.00011.
gnomAD v4.1: 122 of 1,612,032 alleles (0.0076%); highest among the groups gnomAD compares: Admixed American, 0.0067%; no homozygotes.

Submissions (3):

Department of Pathology and Laboratory Medicine, Sinai Health System
Classification: Likely benign for Diaphyseal medullary stenosis-bone malignancy syndrome. Last evaluated: 2021-07-30. Review status: criteria provided, single submitter. Criteria: ACMG Guidelines, 2015. Collection method: research. Allele origin: germline.

Illumina Laboratory Services, Illumina
Classification: Benign for Diaphyseal medullary stenosis-bone malignancy syndrome. Last evaluated: 2018-01-13. Review status: criteria provided, single submitter. Criteria: ICSL Variant Classification Criteria 13 December 2019. Collection method: clinical testing. Allele origin: germline.
Comment: This variant was observed in the ICSL laboratory as part of a predisposition screen in an ostensibly healthy population. It had not been previously curated by ICSL or reported in the Human Gene Mutation Database (HGMD: prior to June 1st, 2018), and was therefore a candidate for classification through an automated scoring system. Utilizing variant allele frequency, disease prevalence and penetrance estimates, and inheritance mode, an automated score was calculated to assess if this variant is too frequent to cause the disease. Based on the score and internal cut-off values, a variant classified as benign is not then subjected to further curation. The score for this variant resulted in a classification of benign for this disease.

PreventionGenetics, part of Exact Sciences
Classification: Likely benign for MTAP-related condition. Last evaluated: 2019-06-10. Review status: no assertion criteria provided. Collection method: clinical testing. Allele origin: germline. Not counted in ClinVar's aggregate classification.
Comment: This variant is classified as likely benign based on ACMG/AMP sequence variant interpretation guidelines (Richards et al. 2015 PMID: 25741868, with internal and published modifications).

NM_002451.4(MTAP):c.136A>C (p.Ile46Leu)

Gene: MTAP (methylthioadenosine phosphorylase; plus strand). Cytogenetic location: 9p21.3.
Variant type: single nucleotide variant.
Coding change: c.136A>C on transcript NM_002451.4 (MANE Select); coding-DNA position 136, A replaced by C.
Protein change: p.Ile46Leu; replaces isoleucine 46 with leucine.
Molecular consequence: missense variant.
Genome position (GRCh38, 1-based): chr9:21,816,729, A>C. VCF-style: chr9-21816729-A-C. GRCh37 (hg19) VCF-style: chr9-21816728-A-C.
Other names: short protein forms I46L.
Identifiers: ClinVar variation 913045 (VCV000913045.7), dbSNP rs750076531, ClinGen allele CA5011748.
Genomic context (GRCh38, chr9:21,816,729, plus strand): 5'-GTTTTTAAATCACTGAGTTAAATGTCATTTTTTCATTGCATGCAGCCATCTGATGCCTTA[A>C]TTTTGGGGAAGATAAAAAATGTTGATTGCGTCCTCCTTGCAAGGTATGGTATTTTAAGCT-3'
Protein context (NP_002442.2, residues 36-56): TPFGKPSDAL[Ile46Leu]LGKIKNVDCV